The following is an entry in ClinVar:

ClinVar aggregate classification (germline): Uncertain significance (1 of 4 stars; one submission).

Submission:

Labcorp Genetics (formerly Invitae), Labcorp
Classification: Uncertain significance. Last evaluated: 2023-07-06. Review status: criteria provided, single submitter. Criteria: Invitae Variant Classification Sherloc (09022015). Collection method: clinical testing. Allele origin: unknown.
Comment: In summary, the available evidence is currently insufficient to determine the role of this variant in disease. Therefore, it has been classified as a Variant of Uncertain Significance. This variant has not been reported in the literature in individuals affected with PHEX-related conditions. A copy number gain of the genomic region encompassing the full coding sequence of the PHEX gene has been identified. The boundaries of this event are unknown as they extend beyond the assayed region for this gene and therefore may encompass additional genes. As the precise location of this event is unknown, it may be in tandem or it may be located elsewhere in the genome.

NC_000023.10:g.(?_22050695)_(22266070_?)dup

Gene: PHEX (phosphate regulating endopeptidase X-linked; plus strand). Cytogenetic location: Xp22.11.
Variant type: Duplication.
Identifiers: ClinVar variation 3246066 (VCV003246066.1).